The following is an entry in ClinVar:

ClinVar aggregate classification (germline): Pathogenic. Review status: criteria provided, multiple submitters, no conflicts (2 of 4 stars). 2 submissions from 2 submitters: Pathogenic (2). Last evaluated 2024-04-17.

Conditions:
Hereditary breast ovarian cancer syndrome. Also called: Hereditary breast and ovarian cancer syndrome (HBOC); Hereditary breast and/or ovarian cancer syndrome; Hereditary breast and ovarian cancer; BRCA1- and BRCA2-Associated Hereditary Breast and Ovarian Cancer; Hereditary breast and ovarian cancer syndrome; Breast and ovarian cancer. Identifiers: Orphanet 145, MedGen C0677776, MeSH D061325, MONDO:0003582. Disease mechanism: loss of function.

Submissions (2):

GeneDx
Classification: Pathogenic. Last evaluated: 2024-04-17. Review status: criteria provided, single submitter. Criteria: GeneDx Variant Classification Process June 2021. Collection method: clinical testing. Allele origin: germline. Affected: yes.
Comment: Nonsense variant predicted to result in protein truncation or nonsense mediated decay in a gene for which loss of function is a known mechanism of disease; Not observed at significant frequency in large population cohorts (gnomAD); Truncating variants in this gene are considered pathogenic by a well-established clinical consortium and/or database; Has not been previously published as pathogenic or benign to our knowledge; Also known as 5321dupT

Labcorp Genetics (formerly Invitae), Labcorp
Classification: Pathogenic for Hereditary breast ovarian cancer syndrome. Last evaluated: 2020-01-01. Review status: criteria provided, single submitter. Criteria: Invitae Variant Classification Sherloc (09022015). Collection method: clinical testing. Allele origin: germline.
Comment: For these reasons, this variant has been classified as Pathogenic. Loss-of-function variants in BRCA1 are known to be pathogenic (PMID: 20104584). This variant has not been reported in the literature in individuals with BRCA1-related conditions. This variant is not present in population databases (ExAC no frequency). This sequence change creates a premature translational stop signal (p.Glu1735*) in the BRCA1 gene. It is expected to result in an absent or disrupted protein product.

Literature cited by the submitters: PubMed 20104584 (cited by Labcorp Genetics (formerly Invitae), Labcorp).

NM_007294.4(BRCA1):c.5202dup (p.Glu1735Ter)

Gene: BRCA1 (BRCA1 DNA repair associated; minus strand). Cytogenetic location: 17q21.31.
Variant type: Duplication.
Coding change: c.5202dup on transcript NM_007294.4 (MANE Select); coding-DNA position 5202, one base duplicated (T; older notation c.5202dupT).
Protein change: p.Glu1735Ter; replaces glutamic acid 1735 with a stop codon.
Molecular consequence: nonsense. On other transcripts: frameshift variant (365), non-coding transcript variant (1).
Genome position (GRCh38, 1-based): chr17:43,057,127, A duplicated on the plus strand (T on the coding strand, the reverse complement: BRCA1 is on the minus strand); the first of 4 consecutive A bases (chr17:43,057,127-43,057,130); duplicating any one gives the same sequence. VCF-style (leftmost placement, unchanged base first): chr17-43057126-C-CA. GRCh37 (hg19) VCF-style: chr17-41209143-C-CA.
Other names: c.4986dup, p.Glu1664Terfs (NM_001407571.1, NM_001407894.1, NM_001407895.1 and 12 more transcripts); c.5265dup, p.Glu1757Terfs (NM_001407581.1, NM_001407582.1); c.5262dup, p.Glu1756Terfs (NM_001407583.1, NM_001407585.1, NM_001407587.1); c.5259dup, p.Glu1755Terfs (NM_001407590.1, NM_001407591.1); c.5199dup, p.Glu1735Terfs (NM_001407593.1, NM_001407594.1, NM_001407596.1 and 7 more transcripts); c.5196dup, p.Glu1734Terfs (NM_001407610.1, NM_001407611.1, NM_001407612.1 and 17 more transcripts); c.5193dup, p.Glu1733Terfs (NM_001407627.1, NM_001407628.1, NM_001407629.1 and 14 more transcripts); c.5190dup, p.Glu1732Terfs (NM_001407644.1, NM_001407645.1); and 76 more; short protein forms E1688*, E1735*, E1756*, E631*.
Identifiers: ClinVar variation 1070907 (VCV001070907.12), dbSNP rs876659867, ClinGen allele CA1139768316.
Genomic context (GRCh38, chr17:43,057,126, plus strand): 5'-ATTCTCTTGCTCGCTTTGGACCTTGGTGGTTTCTTCCATTGACCACATCTCCTCTGACTT[C>CA]AAAATCATGCTGAAAGAAACCAAACACAACCCATCAGGATAAGAGAAAGAGAAGCTTCCT-3'